The following is an entry in ClinVar:

ClinVar aggregate classification (germline): Uncertain significance. Review status: criteria provided, multiple submitters, no conflicts (2 of 4 stars). 2 submissions from 2 submitters: Uncertain significance (2). Last evaluated 2024-01-29.

Conditions:
Mosaic variegated aneuploidy syndrome 1 (MVA1). Also called: Warburton-Anyane-Yeboa syndrome. Identifiers: Orphanet 1052, MedGen C1850343, MONDO:0009759, OMIM 257300.
Inborn genetic diseases. Identifiers: MedGen C0950123, MeSH D030342.

gnomAD v4.1: 3 of 1,614,060 alleles (0.00019%); highest among the groups gnomAD compares: Non-Finnish European, 0.00025%; no homozygotes.

Submissions (2):

Ambry Genetics
Classification: Uncertain significance for Inborn genetic diseases. Last evaluated: 2024-01-29. Review status: criteria provided, single submitter. Criteria: Ambry Variant Classification Scheme 2023. Collection method: clinical testing. Allele origin: germline.
Comment: The p.R931P variant (also known as c.2792G>C), located in coding exon 21 of the BUB1B gene, results from a G to C substitution at nucleotide position 2792. The arginine at codon 931 is replaced by proline, an amino acid with dissimilar properties. This amino acid position is conserved. In addition, this alteration is predicted to be tolerated by in silico analysis. Based on the available evidence, the clinical significance of this alteration remains unclear.

Labcorp Genetics (formerly Invitae), Labcorp
Classification: Uncertain significance for Mosaic variegated aneuploidy syndrome 1. Last evaluated: 2019-09-12. Review status: criteria provided, single submitter. Criteria: Invitae Variant Classification Sherloc (09022015). Collection method: clinical testing. Allele origin: germline.
Comment: In summary, the available evidence is currently insufficient to determine the role of this variant in disease. Therefore, it has been classified as a Variant of Uncertain Significance. Algorithms developed to predict the effect of missense changes on protein structure and function output the following: SIFT: "Tolerated"; PolyPhen-2: "Benign"; Align-GVGD: "Class C0". The proline amino acid residue is found in multiple mammalian species, suggesting that this missense change does not adversely affect protein function. These predictions have not been confirmed by published functional studies and their clinical significance is uncertain. This variant has not been reported in the literature in individuals with BUB1B-related conditions. This variant is not present in population databases (ExAC no frequency). This sequence change replaces arginine with proline at codon 931 of the BUB1B protein (p.Arg931Pro). The arginine residue is weakly conserved and there is a moderate physicochemical difference between arginine and proline.

NM_001211.6(BUB1B):c.2792G>C (p.Arg931Pro)

Genes: BUB1B (BUB1 mitotic checkpoint serine/threonine kinase B; plus strand), BUB1B-PAK6 (BUB1B-PAK6 readthrough; plus strand). Cytogenetic location: 15q15.1.
Variant type: single nucleotide variant.
Coding change: c.2792G>C on transcript NM_001211.6 (MANE Select); coding-DNA position 2792, G replaced by C.
Protein change: p.Arg931Pro; replaces arginine 931 with proline.
Molecular consequence: missense variant. On other transcripts: 5 prime UTR variant (2).
Genome position (GRCh38, 1-based): chr15:40,217,609, G>C. VCF-style: chr15-40217609-G-C. GRCh37 (hg19) VCF-style: chr15-40509810-G-C.
Other names: c.-259G>C (NM_001128628.3); c.-176G>C (NM_001128629.3); short protein forms R931P.
Identifiers: ClinVar variation 938039 (VCV000938039.12), dbSNP rs751509832, ClinGen allele CA391687995.